The following is an entry in ClinVar:

NM_004415.4(DSP):c.7549G>T (p.Val2517Leu)

Gene: DSP (desmoplakin; plus strand). Cytogenetic location: 6p24.3.
Variant type: single nucleotide variant.
Coding change: c.7549G>T on transcript NM_004415.4 (MANE Select); coding-DNA position 7549, G replaced by T.
Protein change: p.Val2517Leu; replaces valine 2517 with leucine.
Molecular consequence: missense variant.
Genome position (GRCh38, 1-based): chr6:7,584,811, G>T. VCF-style: chr6-7584811-G-T. GRCh37 (hg19) VCF-style: chr6-7585044-G-T.
Other names: c.5752G>T, p.Val1918Leu (NM_001008844.3); c.6220G>T, p.Val2074Leu (NM_001319034.2); short protein forms V2517L, V1918L, V2074L.
Identifiers: ClinVar variation 923585 (VCV000923585.7), dbSNP rs764359340, ClinGen allele CA050074.

ClinVar aggregate classification (germline): Conflicting classifications of pathogenicity. Review status: criteria provided, conflicting classifications (1 of 4 stars). 2 submissions from 2 submitters: Uncertain significance (1); Likely benign (1). Last evaluated 2025-01-14.

Conditions:
Cardiomyopathy (CMYO). Also called: Cardiomyopathies. Identifiers: Orphanet 167848, MedGen C0878544, MONDO:0004994, HP:0001638. Inheritance: Various modes of inheritance.
Arrhythmogenic right ventricular dysplasia 8 (ARVD8). Also called: Arrhythmogenic Right Ventricular Dysplasia/Cardiomyopathy 8; ARRHYTHMOGENIC RIGHT VENTRICULAR DYSPLASIA, FAMILIAL, 8; ARRHYTHMOGENIC RIGHT VENTRICULAR CARDIOMYOPATHY 8. Identifiers: MedGen C1843896, MONDO:0011831, OMIM 607450.
Arrhythmogenic cardiomyopathy with wooly hair and keratoderma. Also called: PALMOPLANTAR KERATODERMA WITH LEFT VENTRICULAR CARDIOMYOPATHY AND WOOLLY HAIR; Carvajal syndrome; Dilated cardiomyopathy with woolly hair and keratoderma; Arrhythmogenic cardiomyopathy with woolly hair and keratoderma. Identifiers: Orphanet 65282, MedGen C1854063, MONDO:0011581, OMIM 605676.

Allele frequency attached by ClinVar (database versions not stated): ExAC 0.00001; gnomAD 0.00001; gnomAD exomes 0.00001; TOPMed 0.00001.
gnomAD v4.1: 5 of 1,614,184 alleles (0.00031%); highest among the groups gnomAD compares: East Asian, 0.011%; no homozygotes.

Submissions (2):

Labcorp Genetics (formerly Invitae), Labcorp
Classification: Likely benign for Arrhythmogenic cardiomyopathy with wooly hair and keratoderma; Arrhythmogenic right ventricular dysplasia 8. Last evaluated: 2025-01-14. Review status: criteria provided, single submitter. Criteria: Invitae Variant Classification Sherloc (09022015). Collection method: clinical testing. Allele origin: germline.

Color Diagnostics, LLC DBA Color Health
Classification: Uncertain significance for Cardiomyopathy. Last evaluated: 2023-12-05. Review status: criteria provided, single submitter. Criteria: ACMG Guidelines, 2015. Collection method: clinical testing. Allele origin: germline.
Comment: This missense variant replaces valine with leucine at codon 2517 of the DSP protein. Computational prediction tools and conservation analyses are inconclusive regarding the impact of this variant on protein function. Computational splicing tools suggest that this variant may not impact RNA splicing. To our knowledge, functional assays have not been performed for this variant nor has this variant been reported in individuals affected with cardiovascular disorders in the literature. This variant has not been identified in the general population by the Genome Aggregation Database (gnomAD). Available evidence is insufficient to determine the role of this variant in disease conclusively. Therefore, this variant is classified as a Variant of Uncertain Significance.